The following is an entry in ClinVar:

ClinVar aggregate classification (germline): Pathogenic (1 of 4 stars; one submission).

Submission:

Labcorp Genetics (formerly Invitae), Labcorp
Classification: Pathogenic. Last evaluated: 2022-05-22. Review status: criteria provided, single submitter. Criteria: Invitae Variant Classification Sherloc (09022015). Collection method: clinical testing. Allele origin: germline.
Comment: For these reasons, this variant has been classified as Pathogenic. This variant has not been reported in the literature in individuals affected with ARID1B-related conditions. This variant is not present in population databases (gnomAD no frequency). This sequence change creates a premature translational stop signal (p.Gln616*) in the ARID1B gene. It is expected to result in an absent or disrupted protein product. Loss-of-function variants in ARID1B are known to be pathogenic (PMID: 25674384, 30349098).

Literature cited by the submitters: PubMed 25674384; PubMed 30349098.

NM_001374828.1(ARID1B):c.2056C>T (p.Gln686Ter)

Gene: ARID1B (AT-rich interaction domain 1B; plus strand). Cytogenetic location: 6q25.3.
Variant type: single nucleotide variant.
Coding change: c.2056C>T on transcript NM_001374828.1 (MANE Select); coding-DNA position 2056, C replaced by T.
Protein change: p.Gln686Ter; replaces glutamine 686 with a stop codon.
Molecular consequence: nonsense.
Genome position (GRCh38, 1-based): chr6:156,901,445, C>T. VCF-style: chr6-156901445-C-T. GRCh37 (hg19) VCF-style: chr6-157222579-C-T.
Other names: c.1807C>T, p.Gln603Ter (NM_001346813.1); c.2095C>T, p.Gln699Ter (NM_001371656.1, NM_001374820.1); c.2056C>T, p.Gln686Ter (NM_017519.3); c.1846C>T, p.Gln616Ter (NM_020732.3); c.1633C>T, p.Gln545Ter (NM_175863.2); short protein forms Q616*, Q686*, Q603*, Q545*, Q699*.
Identifiers: ClinVar variation 1997820 (VCV001997820.4), dbSNP rs2534824930, ClinGen allele CA366380757.